The following is an entry in ClinVar:

NM_021930.6(RINT1):c.94A>G (p.Ile32Val)

Gene: RINT1 (RAD50 interactor 1; plus strand). Cytogenetic location: 7q22.3.
Variant type: single nucleotide variant.
Coding change: c.94A>G on transcript NM_021930.6 (MANE Select); coding-DNA position 94, A replaced by G.
Protein change: p.Ile32Val; replaces isoleucine 32 with valine.
Molecular consequence: missense variant. On other transcripts: 5 prime UTR variant (4), non-coding transcript variant (1).
Genome position (GRCh38, 1-based): chr7:105,536,570, A>G. VCF-style: chr7-105536570-A-G. GRCh37 (hg19) VCF-style: chr7-105177017-A-G.
Other names: c.-4A>G (NM_001346599.2); c.-926A>G (NM_001346600.2); c.-829A>G (NM_001346601.2); c.-449A>G (NM_001346603.2); short protein forms I32V.
Identifiers: ClinVar variation 653978 (VCV000653978.9), dbSNP rs1586216168, ClinGen allele CA368799938.

ClinVar aggregate classification (germline): Uncertain significance. Review status: criteria provided, multiple submitters, no conflicts (2 of 4 stars). 2 submissions from 2 submitters: Uncertain significance (2). Last evaluated 2025-06-08.

gnomAD v4.1: 1 of 1,586,668 alleles (0.000063%); highest among the groups gnomAD compares: South Asian, 0.0012%; no homozygotes.

Submissions (2):

Ambry Genetics
Classification: Uncertain significance. Last evaluated: 2025-06-08. Review status: criteria provided, single submitter. Criteria: Ambry Variant Classification Scheme 2023. Collection method: clinical testing. Allele origin: germline.
Comment: The p.I32V variant (also known as c.94A>G), located in coding exon 3 of the RINT1 gene, results from an A to G substitution at nucleotide position 94. The isoleucine at codon 32 is replaced by valine, an amino acid with highly similar properties. This amino acid position is conserved. In addition, this alteration is predicted to be tolerated by in silico analysis. Based on the available evidence, the clinical significance of this variant remains unclear.

Labcorp Genetics (formerly Invitae), Labcorp
Classification: Uncertain significance. Last evaluated: 2018-10-03. Review status: criteria provided, single submitter. Criteria: Invitae Variant Classification Sherloc (09022015). Collection method: clinical testing. Allele origin: germline.
Comment: This variant has not been reported in the literature in individuals with RINT1-related disease. Algorithms developed to predict the effect of missense changes on protein structure and function output the following: SIFT: "Tolerated"; PolyPhen-2: "Benign"; Align-GVGD: "Class C0". The valine amino acid residue is found in multiple mammalian species, suggesting that this missense change does not adversely affect protein function. These predictions have not been confirmed by published functional studies and their clinical significance is uncertain. This variant is not present in population databases (ExAC no frequency). This sequence change replaces isoleucine with valine at codon 32 of the RINT1 protein (p.Ile32Val). The isoleucine residue is weakly conserved and there is a small physicochemical difference between isoleucine and valine. Algorithms developed to predict the effect of sequence changes on RNA splicing suggest that this variant may create or strengthen a splice site, but this prediction has not been confirmed by published transcriptional studies. In summary, the available evidence is currently insufficient to determine the role of this variant in disease. Therefore, it has been classified as a Variant of Uncertain Significance.